The following is an entry in ClinVar:

ClinVar aggregate classification (germline): Uncertain significance (1 of 4 stars; one submission).

Conditions:
Severe early-onset pulmonary alveolar proteinosis due to MARS deficiency. Also called: PULMONARY ALVEOLAR PROTEINOSIS, REUNION ISLAND; Interstitial lung and liver disease. Identifiers: Orphanet 440427, MedGen C4225400, MONDO:0014206, OMIM 615486.
Charcot-Marie-Tooth disease axonal type 2U. Also called: CHARCOT-MARIE-TOOTH NEUROPATHY, TYPE 2U; CHARCOT-MARIE-TOOTH DISEASE, AXONAL, AUTOSOMAL DOMINANT, TYPE 2U. Identifiers: Orphanet 397735, MedGen C4084821, MONDO:0014566, OMIM 616280.

Allele frequency attached by ClinVar (database versions not stated): ExAC 0.00001; gnomAD 0.00001; gnomAD exomes 0.00001.

Submission:

Labcorp Genetics (formerly Invitae), Labcorp
Classification: Uncertain significance for Charcot-Marie-Tooth disease axonal type 2U; Severe early-onset pulmonary alveolar proteinosis due to MARS deficiency. Last evaluated: 2023-09-13. Review status: criteria provided, single submitter. Criteria: Invitae Variant Classification Sherloc (09022015). Collection method: clinical testing. Allele origin: germline.
Comment: In summary, the available evidence is currently insufficient to determine the role of this variant in disease. Therefore, it has been classified as a Variant of Uncertain Significance. An algorithm developed to predict the effect of missense changes on protein structure and function (PolyPhen-2) suggests that this variant is likely to be disruptive. This variant has not been reported in the literature in individuals affected with MARS-related conditions. This variant is present in population databases (rs764072423, gnomAD 0.0009%). This sequence change replaces arginine, which is basic and polar, with histidine, which is basic and polar, at codon 299 of the MARS protein (p.Arg299His).

NM_004990.4(MARS1):c.896G>A (p.Arg299His)

Gene: MARS1 (methionyl-tRNA synthetase 1; plus strand). Cytogenetic location: 12q13.3.
Variant type: single nucleotide variant.
Coding change: c.896G>A on transcript NM_004990.4 (MANE Select); coding-DNA position 896, G replaced by A.
Protein change: p.Arg299His; replaces arginine 299 with histidine.
Molecular consequence: missense variant.
Genome position (GRCh38, 1-based): chr12:57,498,428, G>A. VCF-style: chr12-57498428-G-A. GRCh37 (hg19) VCF-style: chr12-57892211-G-A.
Other names: short protein forms R299H.
Identifiers: ClinVar variation 2934159 (VCV002934159.3), dbSNP rs764072423, ClinGen allele CA6650363.